The following is an entry in ClinVar:

NM_006949.4(STXBP2):c.312C>T (p.Ile104=)

Gene: STXBP2 (syntaxin binding protein 2; plus strand). Cytogenetic location: 19p13.2.
Variant type: single nucleotide variant.
Coding change: c.312C>T on transcript NM_006949.4 (MANE Select); coding-DNA position 312, C replaced by T.
Protein change: p.Ile104=; no amino-acid change (isoleucine 104 retained).
Molecular consequence: synonymous variant. On other transcripts: non-coding transcript variant (1).
Genome position (GRCh38, 1-based): chr19:7,640,796, C>T. VCF-style: chr19-7640796-C-T. GRCh37 (hg19) VCF-style: chr19-7705682-C-T.
Other names: p.Ile104=; c.303C>T, p.Ile101= (NM_001127396.3); c.345C>T, p.Ile115= (NM_001272034.2).
Identifiers: ClinVar variation 538155 (VCV000538155.12), dbSNP rs149590619, ClinGen allele CA9143568.

ClinVar aggregate classification (germline): Likely benign. Review status: criteria provided, multiple submitters, no conflicts (2 of 4 stars). 3 submissions from 3 submitters: Likely benign (3). Last evaluated 2026-01-04.

Conditions:
Familial hemophagocytic lymphohistiocytosis 5. Also called: STXBP2-Related Familial Hemophagocytic Lymphohistiocytosis (STXBP2-fHLH). Identifiers: Orphanet 540, MedGen C2751293, MONDO:0013135, OMIM 613101.

Allele frequency attached by ClinVar (database versions not stated): TOPMed 0.00009; gnomAD 0.00011; gnomAD exomes 0.00011 and 0.00013; ExAC 0.00015; ESP Exome Variant Server 0.00015.
gnomAD v4.1: 172 of 1,614,076 alleles (0.011%); highest among the groups gnomAD compares: Non-Finnish European, 0.014%; no homozygotes.

Submissions (3):

Labcorp Genetics (formerly Invitae), Labcorp
Classification: Likely benign for Familial hemophagocytic lymphohistiocytosis 5. Last evaluated: 2026-01-04. Review status: criteria provided, single submitter. Criteria: Invitae Variant Classification Sherloc (09022015). Collection method: clinical testing. Allele origin: germline.

Mayo Clinic Laboratories, Mayo Clinic
Classification: Likely benign. Last evaluated: 2025-03-31. Review status: criteria provided, single submitter. Criteria: ACMG Guidelines, 2015. Collection method: clinical testing. Allele origin: germline. Observed: 1 variant allele.
Comment: BP4, BP7

Blueprint Genetics
Classification: Likely benign. Last evaluated: 2024-03-06. Review status: criteria provided, single submitter. Criteria: ACMG Guidelines, 2015. Collection method: clinical testing. Allele origin: germline.